The following is an entry in ClinVar:

NM_001382637.1(OTUD7A):c.697C>T (p.Leu233Phe)

Gene: OTUD7A (OTU deubiquitinase 7A; minus strand). Cytogenetic location: 15q13.3.
Variant type: single nucleotide variant.
Coding change: c.697C>T on transcript NM_001382637.1 (MANE Select); coding-DNA position 697, C replaced by T.
Protein change: p.Leu233Phe; replaces leucine 233 with phenylalanine.
Molecular consequence: missense variant.
Genome position (GRCh38, 1-based): chr15:31,527,264, G>A on the plus strand (C>T on the coding strand, the complement: OTUD7A is on the minus strand). VCF-style: chr15-31527264-G-A. GRCh37 (hg19) VCF-style: chr15-31819467-G-A.
Other names: c.697C>T, p.Leu233Phe (NM_001329907.2, NM_130901.3); short protein forms L233F.
Identifiers: ClinVar variation 983496 (VCV000983496.1), dbSNP rs1162953058, ClinGen allele CA391892582.

ClinVar aggregate classification (germline): Pathogenic. Review status: no assertion criteria provided (0 of 4 stars). 3 submissions from 2 submitters: Pathogenic (1). 2 of the submissions do not count toward it. Last evaluated 2024-04-25.

Conditions:
Language disorder. Also called: Disorder of language; Language impairment. Identifiers: MedGen C0023015, MONDO:0004750, HP:0002463.
Epileptic encephalopathy. Identifiers: MedGen C0543888, HP:0200134.
Severe global developmental delay. Also called: Severe psychomotor retardation. Identifiers: MedGen C1837397, HP:0011344.
Specific learning disability. Identifiers: Orphanet 211047, MedGen C4025790, MONDO:0016225, HP:0001328.
Neurodevelopmental disorder with hypotonia and seizures. Identifiers: MedGen C5935609, MONDO:0968979, OMIM 620790.

Submissions (3):

OMIM
Classification: Pathogenic for NEURODEVELOPMENTAL DISORDER WITH HYPOTONIA AND SEIZURES. Last evaluated: 2024-04-25. Review status: no assertion criteria provided. Collection method: literature only. Allele origin: germline.

Equipe Genetique des Anomalies du Developpement, Université de Bourgogne
Classification: Pathogenic for Epileptic encephalopathy; Language disorder; Severe global developmental delay. Last evaluated: 2019-03-20. Review status: flagged submission. Criteria: Garret P et al. (Clin Genet 2020). Collection method: clinical testing. Allele origin: germline. Affected: yes. Observed: 1 homozygote. Not counted in ClinVar's aggregate classification.
ClinVar note: Notes: Flagging candidate with reason of insufficient supporting evidence. This gene has been classified as having a limited gene-disease relationship by a ClinGen Expert Panel.
ClinVar note: Reason: Other

Equipe Genetique des Anomalies du Developpement, Université de Bourgogne
Classification: Pathogenic for Specific learning disability. Last evaluated: 2019-03-20. Review status: flagged submission. Criteria: Garret P et al. (Clin Genet 2020). Collection method: clinical testing. Allele origin: unknown. Affected: yes. Observed: 3 homozygotes. Not counted in ClinVar's aggregate classification.
ClinVar note: Notes: Flagging candidate with reason of insufficient supporting evidence. This gene has been classified as having a limited gene-disease relationship by a ClinGen Expert Panel.
ClinVar note: Reason: Other

Literature cited by the submitters: PubMed 31997314 (cited by OMIM).